The following is an entry in ClinVar:

NM_138395.4(MARS2):c.1673A>G (p.Tyr558Cys)

Gene: MARS2 (methionyl-tRNA synthetase 2, mitochondrial; plus strand). Cytogenetic location: 2q33.1.
Variant type: single nucleotide variant.
Coding change: c.1673A>G on transcript NM_138395.4 (MANE Select); coding-DNA position 1673, A replaced by G.
Protein change: p.Tyr558Cys; replaces tyrosine 558 with cysteine.
Molecular consequence: missense variant.
Genome position (GRCh38, 1-based): chr2:197,707,078, A>G. VCF-style: chr2-197707078-A-G. GRCh37 (hg19) VCF-style: chr2-198571802-A-G.
Other names: c.1673A>G (NM_138395.3); short protein forms Y558C.
Identifiers: ClinVar variation 2056272 (VCV002056272.8), dbSNP rs200126905, ClinGen allele CA2044793.

ClinVar aggregate classification (germline): Uncertain significance. Review status: criteria provided, multiple submitters, no conflicts (2 of 4 stars). 3 submissions from 3 submitters: Uncertain significance (3). Last evaluated 2025-11-24.

Allele frequency attached by ClinVar (database versions not stated): gnomAD exomes 0.00005; gnomAD 0.00006; ExAC 0.00007; TOPMed 0.00007; 1000 Genomes Project 30x 0.00016; 1000 Genomes Project 0.00020.

Submissions (3):

Ambry Genetics
Classification: Uncertain significance. Last evaluated: 2025-11-24. Review status: criteria provided, single submitter. Criteria: Ambry Variant Classification Scheme 2023. Collection method: clinical testing. Allele origin: germline.

Blueprint Genetics
Classification: Uncertain significance. Last evaluated: 2024-11-11. Review status: criteria provided, single submitter. Criteria: ACMG Guidelines, 2015. Collection method: clinical testing. Allele origin: germline.

Labcorp Genetics (formerly Invitae), Labcorp
Classification: Uncertain significance. Last evaluated: 2024-10-14. Review status: criteria provided, single submitter. Criteria: Invitae Variant Classification Sherloc (09022015). Collection method: clinical testing. Allele origin: germline.
Comment: This sequence change replaces tyrosine, which is neutral and polar, with cysteine, which is neutral and slightly polar, at codon 558 of the MARS2 protein (p.Tyr558Cys). This variant is present in population databases (rs200126905, gnomAD 0.01%). This variant has not been reported in the literature in individuals affected with MARS2-related conditions. ClinVar contains an entry for this variant (Variation ID: 2056272). An algorithm developed to predict the effect of missense changes on protein structure and function outputs the following: PolyPhen-2: "Benign". The cysteine amino acid residue is found in multiple mammalian species, which suggests that this missense change does not adversely affect protein function. In summary, the available evidence is currently insufficient to determine the role of this variant in disease. Therefore, it has been classified as a Variant of Uncertain Significance.